The following is an entry in ClinVar:

NC_000023.10:g.(?_10450500)_(10450688_?)del

Gene: MID1 (midline 1; minus strand). Cytogenetic location: Xp22.2.
Variant type: Deletion.
Identifiers: ClinVar variation 2422983 (VCV002422983.3).

ClinVar aggregate classification (germline): Pathogenic (1 of 4 stars; one submission).

Submission:

Labcorp Genetics (formerly Invitae), Labcorp
Classification: Pathogenic. Last evaluated: 2022-02-22. Review status: criteria provided, single submitter. Criteria: Invitae Variant Classification Sherloc (09022015). Collection method: clinical testing. Allele origin: germline.
Comment: For these reasons, this variant has been classified as Pathogenic. This variant has not been reported in the literature in individuals affected with MID1-related conditions. This variant is a gross deletion of the genomic region encompassing exon(s) 5 of the MID1 gene. This deletion is out-of-frame, and is expected to create a premature termination codon and result in an absent or disrupted protein product. Loss-of-function variants in MID1 are known to be pathogenic (PMID: 15558842, 17221865, 21326312).

Literature cited by the submitters: PubMed 15558842; PubMed 17221865; PubMed 21326312.